The following is an entry in ClinVar:

NM_173569.4(UBN2):c.1140C>A (p.Asp380Glu)

Gene: UBN2 (ubinuclein 2; plus strand). Cytogenetic location: 7q34.
Variant type: single nucleotide variant.
Coding change: c.1140C>A on transcript NM_173569.4 (MANE Select); coding-DNA position 1140, C replaced by A.
Protein change: p.Asp380Glu; replaces aspartic acid 380 with glutamic acid.
Molecular consequence: missense variant.
Genome position (GRCh38, 1-based): chr7:139,261,486, C>A. VCF-style: chr7-139261486-C-A. GRCh37 (hg19) VCF-style: chr7-138946232-C-A.
Other names: short protein forms D380E.
Identifiers: ClinVar variation 2632864 (VCV002632864.1), dbSNP rs2486231306, ClinGen allele CA369406887.

ClinVar aggregate classification (germline): Uncertain significance (1 of 4 stars; one submission).

Conditions:
UBN2-related disorder. Also called: UBN2-related condition.

Submission:

PreventionGenetics, part of Exact Sciences
Classification: Uncertain significance for UBN2-related condition. Last evaluated: 2023-05-11. Review status: criteria provided, single submitter. Criteria: ACMG Guidelines, 2015. Collection method: clinical testing. Allele origin: germline.
Comment: The UBN2 c.1140C>A variant is predicted to result in the amino acid substitution p.Asp380Glu. To our knowledge, this variant has not been reported in the literature or in a large population database, indicating this variant is rare. At this time, the clinical significance of this variant is uncertain due to the absence of conclusive functional and genetic evidence.